The following is an entry in ClinVar:

ClinVar aggregate classification (germline): Benign/Likely benign. Review status: criteria provided, multiple submitters, no conflicts (2 of 4 stars). 7 submissions from 6 submitters: Benign (5); Likely benign (1). 1 of the submissions does not count toward it. Last evaluated 2025-12-23.

Conditions:
PAX3-related disorder. Also called: PAX3-related condition.
Craniofacial-deafness-hand syndrome (CDHS). Identifiers: Orphanet 1529, MedGen C1852510, MONDO:0007395, OMIM 122880.
Waardenburg syndrome. Also called: Waardenburg's syndrome. Identifiers: Orphanet 3440, MedGen C3266898, MONDO:0018094.

Allele frequency attached by ClinVar (database versions not stated): ESP Exome Variant Server 0.00008; gnomAD exomes 0.00012 and 0.00053; gnomAD 0.00027 and 0.00031; TOPMed 0.00035; ExAC 0.00050; 1000 Genomes Project 30x 0.00156; 1000 Genomes Project 0.00160.
gnomAD v4.1: 298 of 1,613,846 alleles (0.018%); highest among the groups gnomAD compares: East Asian, 0.46%; 2 homozygotes.

Submissions (7):

Labcorp Genetics (formerly Invitae), Labcorp
Classification: Benign. Last evaluated: 2025-12-23. Review status: criteria provided, single submitter. Criteria: Invitae Variant Classification Sherloc (09022015). Collection method: clinical testing. Allele origin: germline.

Blueprint Genetics
Classification: Likely benign. Last evaluated: 2024-11-19. Review status: criteria provided, single submitter. Criteria: ACMG Guidelines, 2015. Collection method: clinical testing. Allele origin: germline.

GeneDx
Classification: Benign. Last evaluated: 2019-03-15. Review status: criteria provided, single submitter. Criteria: GeneDx Variant Classification Process June 2021. Collection method: clinical testing. Allele origin: germline. Affected: yes.

Illumina Laboratory Services, Illumina
Classification: Benign for Craniofacial-deafness-hand syndrome. Last evaluated: 2018-01-13. Review status: criteria provided, single submitter. Criteria: ICSL Variant Classification Criteria 13 December 2019. Collection method: clinical testing. Allele origin: germline.
Comment: This variant was observed in the ICSL laboratory as part of a predisposition screen in an ostensibly healthy population. It had not been previously curated by ICSL or reported in the Human Gene Mutation Database (HGMD: prior to June 1st, 2018), and was therefore a candidate for classification through an automated scoring system. Utilizing variant allele frequency, disease prevalence and penetrance estimates, and inheritance mode, an automated score was calculated to assess if this variant is too frequent to cause the disease. Based on the score and internal cut-off values, a variant classified as benign is not then subjected to further curation. The score for this variant resulted in a classification of benign for this disease.

Illumina Laboratory Services, Illumina
Classification: Benign for Waardenburg syndrome. Last evaluated: 2018-01-13. Review status: criteria provided, single submitter. Criteria: ICSL Variant Classification Criteria 13 December 2019. Collection method: clinical testing. Allele origin: germline.
Comment: the same text as in the submission from Illumina Laboratory Services, Illumina above.

Laboratory for Molecular Medicine, Mass General Brigham Personalized Medicine
Classification: Benign. Last evaluated: 2016-11-01. Review status: criteria provided, single submitter. Criteria: LMM Criteria. Collection method: clinical testing. Allele origin: germline. Observed: 2 variant alleles.
Comment: p.Asn268Asn in exon 6 of PAX3: This variant is not expected to have clinical sig nificance because it does not alter an amino acid residue and is not located wit hin the splice consensus sequence. It has been identified in 0.7% (61/8620) of E ast Asian chromosomes by the Exome Aggregation Consortium (ExAC; dbSNP rs45501393).

PreventionGenetics, part of Exact Sciences
Classification: Benign for PAX3-related condition. Last evaluated: 2022-02-14. Review status: no assertion criteria provided. Collection method: clinical testing. Allele origin: germline. Not counted in ClinVar's aggregate classification.
Comment: This variant is classified as benign based on ACMG/AMP sequence variant interpretation guidelines (Richards et al. 2015 PMID: 25741868, with internal and published modifications).

NM_181458.4(PAX3):c.807C>T (p.Asn269=)

Gene: PAX3 (paired box 3; minus strand). Cytogenetic location: 2q36.1.
Variant type: single nucleotide variant.
Coding change: c.807C>T on transcript NM_181458.4 (MANE Select); coding-DNA position 807, C replaced by T.
Protein change: p.Asn269=; no amino-acid change (asparagine 269 retained).
Molecular consequence: synonymous variant.
Genome position (GRCh38, 1-based): chr2:222,221,373, G>A on the plus strand (C>T on the coding strand, the complement: PAX3 is on the minus strand). VCF-style: chr2-222221373-G-A. GRCh37 (hg19) VCF-style: chr2-223086092-G-A.
Other names: c.804C>T, p.Asn268= (NM_001127366.3); c.807C>T, p.Asn269= (NM_181457.4, NM_181459.4, NM_181460.4 and 1 more transcripts).
Identifiers: ClinVar variation 334560 (VCV000334560.24), dbSNP rs45501393, ClinGen allele CA2135565.